The following is an entry in ClinVar:

NM_005219.5(DIAPH1):c.2153C>T (p.Pro718Leu)

Gene: DIAPH1 (diaphanous related formin 1; minus strand). Cytogenetic location: 5q31.3.
Variant type: single nucleotide variant.
Coding change: c.2153C>T on transcript NM_005219.5 (MANE Select); coding-DNA position 2153, C replaced by T.
Protein change: p.Pro718Leu; replaces proline 718 with leucine.
Molecular consequence: missense variant.
Genome position (GRCh38, 1-based): chr5:141,573,697, G>A on the plus strand (C>T on the coding strand, the complement: DIAPH1 is on the minus strand). VCF-style: chr5-141573697-G-A. GRCh37 (hg19) VCF-style: chr5-140953264-G-A.
Other names: c.2126C>T, p.Pro709Leu (NM_001079812.3); c.2153C>T, p.Pro718Leu (NM_001314007.2); short protein forms P709L, P718L.
Identifiers: ClinVar variation 3759943 (VCV003759943.2).

ClinVar aggregate classification (germline): Uncertain significance (1 of 4 stars; one submission).

Conditions:
Autosomal dominant nonsyndromic hearing loss 1. Also called: KONIGSMARK SYNDROME; DEAFNESS, AUTOSOMAL DOMINANT 1, WITH OR WITHOUT THROMBOCYTOPENIA. Identifiers: Orphanet 90635, MedGen C1852282, MONDO:0007424, OMIM 124900.
Progressive microcephaly-seizures-cortical blindness-developmental delay syndrome. Also called: Seizures, cortical blindness, and microcephaly syndrome. Identifiers: Orphanet 477814, MedGen C5567650, MONDO:0014714, OMIM 616632.

Submission:

Labcorp Genetics (formerly Invitae), Labcorp
Classification: Uncertain significance for Progressive microcephaly-seizures-cortical blindness-developmental delay syndrome; Autosomal dominant nonsyndromic hearing loss 1. Last evaluated: 2024-12-03. Review status: criteria provided, single submitter. Criteria: Invitae Variant Classification Sherloc (09022015). Collection method: clinical testing. Allele origin: germline.
Comment: This sequence change replaces proline, which is neutral and non-polar, with leucine, which is neutral and non-polar, at codon 718 of the DIAPH1 protein (p.Pro718Leu). This variant is present in population databases (rs745686900, gnomAD 0.006%). This variant has not been reported in the literature in individuals affected with DIAPH1-related conditions. Experimental studies and prediction algorithms are not available or were not evaluated, and the functional significance of this variant is currently unknown. In summary, the available evidence is currently insufficient to determine the role of this variant in disease. Therefore, it has been classified as a Variant of Uncertain Significance.